The following is an entry in ClinVar:

NM_181882.3(PRX):c.960G>A (p.Ser320=)

Gene: PRX (periaxin; minus strand). Cytogenetic location: 19q13.2.
Variant type: single nucleotide variant.
Coding change: c.960G>A on transcript NM_181882.3 (MANE Select); coding-DNA position 960, G replaced by A.
Protein change: p.Ser320=; no amino-acid change (serine 320 retained).
Molecular consequence: synonymous variant. On other transcripts: 3 prime UTR variant (1).
Genome position (GRCh38, 1-based): chr19:40,397,392, C>T on the plus strand (G>A on the coding strand, the complement: PRX is on the minus strand). VCF-style: chr19-40397392-C-T. GRCh37 (hg19) VCF-style: chr19-40903299-C-T.
Other names: c.*1165G>A (NM_020956.2).
Identifiers: ClinVar variation 329280 (VCV000329280.24), dbSNP rs775367319, ClinGen allele CA9444348.
Genomic context (GRCh38, chr19:40,397,392, plus strand): 5'-CGGCAAGGCCAGGTCCACCCCCACAGTCGGTGCTGCCACATCCAGGGTGGGCACCACTAC[C>T]GACACAGCCCCTTCCCGGGTCTCTAGGCAGGGAAGTGTGGGCAGAGTGGGCAGTGAGGGC-3'
Protein context (NP_870998.2, residues 310-330): PCLETREGAV[Ser320=]VVVPTLDVAA

ClinVar aggregate classification (germline): Conflicting classifications of pathogenicity. Review status: criteria provided, conflicting classifications (1 of 4 stars). 6 submissions from 6 submitters: Uncertain significance (1); Benign (1); Likely benign (3). 1 of the submissions does not count toward it. Last evaluated 2025-08-01.

Conditions:
Inborn genetic diseases. Identifiers: MedGen C0950123, MeSH D030342.
Charcot-Marie-Tooth disease type 4. Also called: Charcot-Marie-Tooth, Type 4; Charcot-Marie-Tooth disease, type IV. Identifiers: Orphanet 64749, MedGen C4082197, MONDO:0018995.
PRX-related disorder. Also called: PRX-related condition; PRX-Related Disorders.
Charcot-Marie-Tooth disease type 4F. Also called: Charcot-Marie-Tooth disease, demyelinating, type 4F. Identifiers: Orphanet 99952, MedGen C3540453, MONDO:0013959, OMIM 614895.

Allele frequency attached by ClinVar (database versions not stated): TOPMed 0.00004; gnomAD exomes 0.00015 and 0.00037; ExAC 0.00022; gnomAD 0.00032 and 0.00033.
gnomAD v4.1: 257 of 1,612,176 alleles (0.016%); highest among the groups gnomAD compares: Middle Eastern, 0.016%; no homozygotes.

Submissions (6):

CeGaT Center for Human Genetics Tuebingen
Classification: Likely benign. Last evaluated: 2025-08-01. Review status: criteria provided, single submitter. Criteria: CeGaT Center For Human Genetics Tuebingen Variant Classification Criteria Version 2. Collection method: clinical testing. Allele origin: germline. Affected: yes. Observed: 1 variant allele.
Comment: PRX: BP4, BP7

Labcorp Genetics (formerly Invitae), Labcorp
Classification: Benign for Charcot-Marie-Tooth disease type 4. Last evaluated: 2025-07-28. Review status: criteria provided, single submitter. Criteria: Invitae Variant Classification Sherloc (09022015). Collection method: clinical testing. Allele origin: germline.

Ambry Genetics
Classification: Likely benign for Inborn genetic diseases. Last evaluated: 2019-07-11. Review status: criteria provided, single submitter. Criteria: Ambry Variant Classification Scheme 2023. Collection method: clinical testing. Allele origin: germline.

Illumina Laboratory Services, Illumina
Classification: Uncertain significance for Charcot-Marie-Tooth disease type 4F. Last evaluated: 2018-01-12. Review status: criteria provided, single submitter. Criteria: ICSL Variant Classification Criteria 13 December 2019. Collection method: clinical testing. Allele origin: germline.

GeneDx
Classification: Likely benign. Last evaluated: 2017-04-05. Review status: criteria provided, single submitter. Criteria: GeneDx Variant Classification (06012015). Collection method: clinical testing. Allele origin: germline. Affected: yes.
Comment: This variant is considered likely benign or benign based on one or more of the following criteria: it is a conservative change, it occurs at a poorly conserved position in the protein, it is predicted to be benign by multiple in silico algorithms, and/or has population frequency not consistent with disease.

PreventionGenetics, part of Exact Sciences
Classification: Likely benign for PRX-related condition. Last evaluated: 2021-02-16. Review status: no assertion criteria provided. Collection method: clinical testing. Allele origin: germline. Not counted in ClinVar's aggregate classification.
Comment: This variant is classified as likely benign based on ACMG/AMP sequence variant interpretation guidelines (Richards et al. 2015 PMID: 25741868, with internal and published modifications).